The following is an entry in ClinVar:

ClinVar aggregate classification (germline): Conflicting classifications of pathogenicity. Review status: criteria provided, conflicting classifications (1 of 4 stars). 4 submissions from 4 submitters: Uncertain significance (2); Likely benign (2). Last evaluated 2025-10-22.

Conditions:
COG1 congenital disorder of glycosylation (CDG2G). Also called: CDG IIg; CONGENITAL DISORDER OF GLYCOSYLATION, TYPE IIg; CDGII/COG1 CEREBROCOSTOMANDIBULAR-LIKE SYNDROME. Identifiers: Orphanet 263508, MedGen C2931011, MONDO:0012637, OMIM 611209.

Allele frequency attached by ClinVar (database versions not stated): gnomAD exomes 0.00006 and 0.00018; ExAC 0.00023; 1000 Genomes Project 30x 0.00031; 1000 Genomes Project 0.00040; gnomAD 0.00058 and 0.00064; TOPMed 0.00065; ESP Exome Variant Server 0.00085.
gnomAD v4.1: 180 of 1,613,544 alleles (0.011%); highest among the groups gnomAD compares: African/African-American, 0.22%; no homozygotes.

Submissions (4):

Labcorp Genetics (formerly Invitae), Labcorp
Classification: Likely benign for COG1 congenital disorder of glycosylation. Last evaluated: 2025-10-22. Review status: criteria provided, single submitter. Criteria: Invitae Variant Classification Sherloc (09022015). Collection method: clinical testing. Allele origin: germline.

Blueprint Genetics
Classification: Likely benign. Last evaluated: 2024-03-07. Review status: criteria provided, single submitter. Criteria: ACMG Guidelines, 2015. Collection method: clinical testing. Allele origin: germline.

Baylor Genetics
Classification: Uncertain significance for COG1 congenital disorder of glycosylation. Last evaluated: 2019-01-21. Review status: criteria provided, single submitter. Criteria: ACMG Guidelines, 2015. Collection method: clinical testing. Allele origin: unknown. Affected: yes.
Comment: This variant was determined to be of uncertain significance according to ACMG Guidelines, 2015 [PMID:25741868].

Illumina Laboratory Services, Illumina
Classification: Uncertain significance for COG1 congenital disorder of glycosylation. Last evaluated: 2018-01-13. Review status: criteria provided, single submitter. Criteria: ICSL Variant Classification Criteria 13 December 2019. Collection method: clinical testing. Allele origin: germline.

NM_018714.3(COG1):c.1282-3T>C

Gene: COG1 (component of oligomeric golgi complex 1; plus strand). Cytogenetic location: 17q25.1.
Variant type: single nucleotide variant.
Coding change: c.1282-3T>C on transcript NM_018714.3 (MANE Select); 3 bases into the intron before coding-DNA position 1282, T replaced by C.
Molecular consequence: intron variant.
Genome position (GRCh38, 1-based): chr17:73,201,106, T>C. VCF-style: chr17-73201106-T-C. GRCh37 (hg19) VCF-style: chr17-71197245-T-C.
Identifiers: ClinVar variation 324969 (VCV000324969.14), dbSNP rs188853520, ClinGen allele CA8740204.
Genomic context (GRCh38, chr17:73,201,106, plus strand): 5'-ACTTTTGTTTTGAAATGTCCTTAAAGGAACTGTGATTAGAACTCTTCTCTCATTCTCTTT[T>C]AGACTCTGACAAAAGAAGGCTTTGACTCCATCTCCAGTAGCTCCAAGGAGCTCTTGGTTT-3'